The following is an entry in ClinVar:

ClinVar aggregate classification (germline): Pathogenic. Review status: criteria provided, multiple submitters, no conflicts (2 of 4 stars). 2 submissions from 2 submitters: Pathogenic (2). Last evaluated 2022-01-31.

Conditions:
Familial multiple nevi flammei. Also called: CAPILLARY MALFORMATIONS, CONGENITAL, 1, SOMATIC, MOSAIC; PORT-WINE STAIN. Identifiers: Orphanet 624, MedGen C2931029, MONDO:0008094, OMIM 163000.

Submissions (2):

Seattle Children's Hospital Molecular Genetics Laboratory, Seattle Children's Hospital
Classification: Pathogenic. Last evaluated: 2022-01-31. Review status: criteria provided, single submitter. Criteria: ACMG Guidelines, 2015. Collection method: clinical testing. Allele origin: somatic. Affected: yes.
Comment: This variant has previously been reported as a somatic change in patients with vascular anomalies (PMID: 27058448, PMID: 30677207, PMID: 29574926) and is absent from large population databases (Genome Aggregation Database v2.1.1). Somatic mutations altering amino acid residue p.Gln209 have been described in multiple vascular anomalies (PMID: 27058448, PMID: 30677207, PMID: 29574926) Alteration of p.Gln209 in GNAQ is a recurrent oncogenic hotspot reported in the cBioPortal and NCI Genomic Data Commons cancer databases, with p.Gln209His reported in multiple melanoma samples (PMID: 24882516).

Equipe Genetique des Anomalies du Developpement, Université de Bourgogne
Classification: Pathogenic for Familial multiple nevi flammei. Review status: criteria provided, single submitter. Criteria: ACMG Guidelines, 2015. Collection method: clinical testing. Allele origin: somatic. Affected: yes.

NM_002072.5(GNAQ):c.627A>T (p.Gln209His)

Gene: GNAQ (G protein subunit alpha q; minus strand). Cytogenetic location: 9q21.2.
Variant type: single nucleotide variant.
Coding change: c.627A>T on transcript NM_002072.5 (MANE Select); coding-DNA position 627, A replaced by T.
Protein change: p.Gln209His; replaces glutamine 209 with histidine.
Molecular consequence: missense variant.
Genome position (GRCh38, 1-based): chr9:77,794,571, T>A on the plus strand (A>T on the coding strand, the complement: GNAQ is on the minus strand). VCF-style: chr9-77794571-T-A. GRCh37 (hg19) VCF-style: chr9-80409487-T-A.
Other names: short protein forms Q209H.
Identifiers: ClinVar variation 1172602 (VCV001172602.3), dbSNP rs2118444312, ClinGen allele CA373997883.